The following is an entry in ClinVar:

NM_001061.7(TBXAS1):c.193G>T (p.Glu65Ter)

Gene: TBXAS1 (thromboxane A synthase 1; plus strand). Cytogenetic location: 7q34.
Variant type: single nucleotide variant.
Coding change: c.193G>T on transcript NM_001061.7 (MANE Select); coding-DNA position 193, G replaced by T.
Protein change: p.Glu65Ter; replaces glutamic acid 65 with a stop codon.
Molecular consequence: nonsense. On other transcripts: 5 prime UTR variant (1), missense variant (2).
Genome position (GRCh38, 1-based): chr7:139,875,594, G>T. VCF-style: chr7-139875594-G-T. GRCh37 (hg19) VCF-style: chr7-139575393-G-T.
Other names: c.193G>T, p.Glu65Ter (NM_001130966.5, NM_001166253.4, NM_001366538.2 and 1 more transcripts); c.-9G>T (NM_001166254.4); c.107G>T, p.Gly36Val (NM_001314028.4, NM_001366537.3); c.193G>T (NM_001166253.3); short protein forms E65*, G36V.
Identifiers: ClinVar variation 1031016 (VCV001031016.2), dbSNP rs775012519, ClinGen allele CA369578362.

ClinVar aggregate classification (germline): Pathogenic. Review status: criteria provided, multiple submitters, no conflicts (2 of 4 stars). 2 submissions from 2 submitters: Pathogenic (2). Last evaluated 2024-09-22.

Conditions:
Ghosal hematodiaphyseal dysplasia. Also called: Ghosal hematodiaphyseal syndrome. Identifiers: Orphanet 1802, MedGen C1856465, MONDO:0009274, OMIM 231095.

Submissions (2):

Genomic Medicine Center of Excellence, King Faisal Specialist Hospital and Research Centre
Classification: Pathogenic for Ghosal hematodiaphyseal dysplasia. Last evaluated: 2024-09-22. Review status: criteria provided, single submitter. Criteria: ACMG Guidelines, 2015. Collection method: clinical testing. Allele origin: germline.

Baylor Genetics
Classification: Pathogenic for Ghosal hematodiaphyseal dysplasia. Last evaluated: 2019-12-16. Review status: criteria provided, single submitter. Criteria: ACMG Guidelines, 2015. Collection method: clinical testing. Allele origin: unknown. Affected: yes.
Comment: This variant was determined to be pathogenic according to ACMG Guidelines, 2015 [PMID:25741868].